The following is an entry in ClinVar:

NM_007118.4(TRIO):c.1993C>T (p.Gln665Ter)

Gene: TRIO (trio Rho guanine nucleotide exchange factor; plus strand). Cytogenetic location: 5p15.2.
Variant type: single nucleotide variant.
Coding change: c.1993C>T on transcript NM_007118.4 (MANE Select); coding-DNA position 1993, C replaced by T.
Protein change: p.Gln665Ter; replaces glutamine 665 with a stop codon.
Molecular consequence: nonsense. On other transcripts: non-coding transcript variant (1).
Genome position (GRCh38, 1-based): chr5:14,336,674, C>T. VCF-style: chr5-14336674-C-T. GRCh37 (hg19) VCF-style: chr5-14336783-C-T.
Other names: short protein forms Q665*.
Identifiers: ClinVar variation 3382329 (VCV003382329.3).

ClinVar aggregate classification (germline): Likely pathogenic (1 of 4 stars; one submission).

Conditions:
Intellectual developmental disorder, autosomal dominant 44, with microcephaly. Also called: TRIO-Related Intellectual Disability; Micrognathia-recurrent infections-behavioral abnormalities-mild intellectual disability syndrome. Identifiers: Orphanet 476126, MedGen C4310740, MONDO:0014892, OMIM 617061.
Intellectual developmental disorder, autosomal dominant 63, with macrocephaly. Also called: MENTAL RETARDATION, AUTOSOMAL DOMINANT 63, WITH MACROCEPHALY. Identifiers: MedGen C5394205, MONDO:0032939, OMIM 618825.

Submission:

Juno Genomics, Hangzhou Juno Genomics, Inc
Classification: Likely pathogenic for Intellectual developmental disorder, autosomal dominant 44, with microcephaly; Intellectual developmental disorder, autosomal dominant 63, with macrocephaly. Review status: criteria provided, single submitter. Criteria: ACMG Guidelines, 2015. Collection method: clinical testing. Allele origin: germline.
Comment: Absent from controls (or at extremely low frequency if recessive) in Genome Aggregation Database.;Null variant in a gene where loss of function (LOF) is a known mechanism of disease.